The following is an entry in ClinVar:

NM_182914.3(SYNE2):c.4873G>A (p.Asp1625Asn)

Gene: SYNE2 (spectrin repeat containing nuclear envelope protein 2; plus strand). Cytogenetic location: 14q23.2.
Variant type: single nucleotide variant.
Coding change: c.4873G>A on transcript NM_182914.3 (MANE Select); coding-DNA position 4873, G replaced by A.
Protein change: p.Asp1625Asn; replaces aspartic acid 1625 with asparagine.
Molecular consequence: missense variant.
Genome position (GRCh38, 1-based): chr14:64,016,617, G>A. VCF-style: chr14-64016617-G-A. GRCh37 (hg19) VCF-style: chr14-64483335-G-A.
Other names: c.4873G>A, p.Asp1625Asn (NM_015180.6); short protein forms D1625N.
Identifiers: ClinVar variation 2644286 (VCV002644286.24), dbSNP rs2551074397, ClinGen allele CA389937664.

ClinVar aggregate classification (germline): Uncertain significance (1 of 4 stars; one submission).

Submission:

CeGaT Center for Human Genetics Tuebingen
Classification: Uncertain significance. Last evaluated: 2022-10-01. Review status: criteria provided, single submitter. Criteria: CeGaT Center For Human Genetics Tuebingen Variant Classification Criteria Version 2. Collection method: clinical testing. Allele origin: germline. Affected: yes. Observed: 1 variant allele.
Comment: SYNE2: PM2